The following is an entry in ClinVar:

ClinVar aggregate classification (germline): Conflicting classifications of pathogenicity. Review status: criteria provided, conflicting classifications (1 of 4 stars). 7 submissions from 5 submitters: Uncertain significance (2); Benign (1); Likely benign (4). Last evaluated 2025-08-20.

Conditions:
Hereditary spherocytosis type 3. Also called: SPTA1-Related Spherocytosis; Spherocytosis type 3. Identifiers: Orphanet 822, MedGen C2678338, MONDO:0010053, OMIM 270970.
Elliptocytosis 2 (EL2). Also called: ELLIPTOCYTOSIS, RHESUS-UNLINKED TYPE. Identifiers: Orphanet 288, MedGen C1851741, MONDO:0007533, OMIM 130600.
Pyropoikilocytosis, hereditary. Also called: Pyropoikilocytosis. Identifiers: MedGen C0520739, MONDO:0009948, OMIM 266140, HP:0004839. Disease mechanism: loss of function.

Allele frequency attached by ClinVar (database versions not stated): TOPMed 0.00183; ESP Exome Variant Server 0.00190; 1000 Genomes Project 0.00399; 1000 Genomes Project 30x 0.00406.
gnomAD v4.1: 688 of 1,613,924 alleles (0.043%); highest among the groups gnomAD compares: African/African-American, 0.66%; 5 homozygotes.

Submissions (7):

Labcorp Genetics (formerly Invitae), Labcorp
Classification: Benign. Last evaluated: 2025-08-20. Review status: criteria provided, single submitter. Criteria: Invitae Variant Classification Sherloc (09022015). Collection method: clinical testing. Allele origin: germline.

CeGaT Center for Human Genetics Tuebingen
Classification: Likely benign. Last evaluated: 2025-05-01. Review status: criteria provided, single submitter. Criteria: CeGaT Center For Human Genetics Tuebingen Variant Classification Criteria Version 2. Collection method: clinical testing. Allele origin: germline. Affected: yes. Observed: 1 variant allele.
Comment: SPTA1: BP4, BP7

ARUP Laboratories, Molecular Genetics and Genomics, ARUP Laboratories
Classification: Likely benign. Last evaluated: 2024-08-23. Review status: criteria provided, single submitter. Criteria: ARUP Molecular Germline Variant Investigation Process 2024. Collection method: clinical testing. Allele origin: germline.

Blueprint Genetics
Classification: Likely benign. Last evaluated: 2024-08-22. Review status: criteria provided, single submitter. Criteria: ACMG Guidelines, 2015. Collection method: clinical testing. Allele origin: germline.

Illumina Laboratory Services, Illumina
Classification: Uncertain significance for Pyropoikilocytosis, hereditary. Last evaluated: 2018-01-13. Review status: criteria provided, single submitter. Criteria: ICSL Variant Classification Criteria 13 December 2019. Collection method: clinical testing. Allele origin: germline.

Illumina Laboratory Services, Illumina
Classification: Uncertain significance for Hereditary spherocytosis type 3. Last evaluated: 2018-01-13. Review status: criteria provided, single submitter. Criteria: ICSL Variant Classification Criteria 13 December 2019. Collection method: clinical testing. Allele origin: germline.

Illumina Laboratory Services, Illumina
Classification: Likely benign for Elliptocytosis 2. Last evaluated: 2018-01-13. Review status: criteria provided, single submitter. Criteria: ICSL Variant Classification Criteria 13 December 2019. Collection method: clinical testing. Allele origin: germline.
Comment: This variant was observed in the ICSL laboratory as part of a predisposition screen in an ostensibly healthy population. It had not been previously curated by ICSL or reported in the Human Gene Mutation Database (HGMD: prior to June 1st, 2018), and was therefore a candidate for classification through an automated scoring system. Utilizing variant allele frequency, disease prevalence and penetrance estimates, and inheritance mode, an automated score was calculated to assess if this variant is too frequent to cause the disease. Based on the score and internal cut-off values, a variant classified as likely benign is not then subjected to further curation. The score for this variant resulted in a classification of likely benign for this disease.

NM_003126.4(SPTA1):c.4833G>A (p.Arg1611=)

Gene: SPTA1 (spectrin alpha, erythrocytic 1; minus strand). Cytogenetic location: 1q23.1.
Variant type: single nucleotide variant.
Coding change: c.4833G>A on transcript NM_003126.4 (MANE Select); coding-DNA position 4833, G replaced by A.
Protein change: p.Arg1611=; no amino-acid change (arginine 1611 retained).
Molecular consequence: synonymous variant.
Genome position (GRCh38, 1-based): chr1:158,639,912, C>T on the plus strand (G>A on the coding strand, the complement: SPTA1 is on the minus strand). VCF-style: chr1-158639912-C-T. GRCh37 (hg19) VCF-style: chr1-158609702-C-T.
Identifiers: ClinVar variation 292980 (VCV000292980.28), dbSNP rs145288947, ClinGen allele CA1182545.